The following is an entry in ClinVar:

NM_001114753.3(ENG):c.67+3A>G

Gene: ENG (endoglin; minus strand). Cytogenetic location: 9q34.11.
Variant type: single nucleotide variant.
Coding change: c.67+3A>G on transcript NM_001114753.3 (MANE Select); 3 bases into the intron after coding-DNA position 67, A replaced by G.
Molecular consequence: intron variant.
Genome position (GRCh38, 1-based): chr9:127,854,286, T>C on the plus strand (A>G on the coding strand, the complement: ENG is on the minus strand). VCF-style: chr9-127854286-T-C. GRCh37 (hg19) VCF-style: chr9-130616565-T-C.
Other names: c.67+3A>G (NM_000118.4, NM_001406715.1).
Identifiers: ClinVar variation 3718734 (VCV003718734.3).

ClinVar aggregate classification (germline): Uncertain significance. Review status: criteria provided, multiple submitters, no conflicts (2 of 4 stars). 2 submissions from 2 submitters: Uncertain significance (2). Last evaluated 2024-10-20.

Conditions:
Telangiectasia, hereditary hemorrhagic, type 1 (HHT1). Also called: Osler Weber Rendu syndrome type 1; ENG-Related Hereditary Hemorrhagic Telangiectasia. Identifiers: Orphanet 774, MedGen C4551861, MONDO:0008535, OMIM 187300. Disease mechanism: loss of function.
Hereditary hemorrhagic telangiectasia (HHT). Also called: ORW DISEASE; Osler Weber Rendu syndrome; OSLER-RENDU-WEBER DISEASE; Osler hemorrhagic telangiectasia syndrome. Identifiers: Orphanet 774, MedGen C0039445, MONDO:0019180. Disease mechanism: loss of function.

Submissions (2):

Labcorp Genetics (formerly Invitae), Labcorp
Classification: Uncertain significance for Hereditary hemorrhagic telangiectasia. Last evaluated: 2024-10-20. Review status: criteria provided, single submitter. Criteria: Invitae Variant Classification Sherloc (09022015). Collection method: clinical testing. Allele origin: germline.
Comment: This sequence change falls in intron 1 of the ENG gene. It does not directly change the encoded amino acid sequence of the ENG protein. It affects a nucleotide within the consensus splice site. This variant is not present in population databases (gnomAD no frequency). This variant has not been reported in the literature in individuals affected with ENG-related conditions. Variants that disrupt the consensus splice site are a relatively common cause of aberrant splicing (PMID: 17576681, 9536098). Algorithms developed to predict the effect of sequence changes on RNA splicing suggest that this variant may disrupt the consensus splice site. In summary, the available evidence is currently insufficient to determine the role of this variant in disease. Therefore, it has been classified as a Variant of Uncertain Significance.

ARUP Laboratories, Molecular Genetics and Genomics, ARUP Laboratories
Classification: Uncertain significance for Telangiectasia, hereditary hemorrhagic, type 1. Last evaluated: 2024-03-20. Review status: criteria provided, single submitter. Criteria: ARUP Molecular Germline Variant Investigation Process 2024. Collection method: clinical testing. Allele origin: germline.
Comment: The ENG c.67+3A>G variant, to our knowledge, is not reported in the medical literature or gene specific databases. This variant is absent from the Genome Aggregation Database (v2.1.1), indicating it is not a common polymorphism. This is an intronic variant, and computational analyses (Alamut Visual Plus v.1.5.1, SpliceAI) predict that this variant may impact splicing by weakening the nearby canonical donor splice site. Due to limited information, the clinical significance of this variant is uncertain at this time.

Literature cited by the submitters: PubMed 17576681 (cited by Labcorp Genetics (formerly Invitae), Labcorp); PubMed 9536098 (cited by Labcorp Genetics (formerly Invitae), Labcorp).